The following is an entry in ClinVar:

NM_024675.4(PALB2):c.338C>G (p.Pro113Arg)

Gene: PALB2 (partner and localizer of BRCA2; minus strand). Cytogenetic location: 16p12.2.
Variant type: single nucleotide variant.
Coding change: c.338C>G on transcript NM_024675.4 (MANE Select); coding-DNA position 338, C replaced by G.
Protein change: p.Pro113Arg; replaces proline 113 with arginine.
Molecular consequence: missense variant.
Genome position (GRCh38, 1-based): chr16:23,636,208, G>C on the plus strand (C>G on the coding strand, the complement: PALB2 is on the minus strand). VCF-style: chr16-23636208-G-C. GRCh37 (hg19) VCF-style: chr16-23647529-G-C.
Other names: short protein forms P113R.
Identifiers: ClinVar variation 232582 (VCV000232582.17), dbSNP rs374425261, ClinGen allele CA7963798.

ClinVar aggregate classification (germline): Conflicting classifications of pathogenicity. Review status: criteria provided, conflicting classifications (1 of 4 stars). 3 submissions from 3 submitters: Uncertain significance (2); Likely benign (1). Last evaluated 2025-11-18.

Conditions:
Hereditary cancer-predisposing syndrome. Also called: Neoplastic Syndromes, Hereditary; Tumor predisposition; Hereditary Cancer Syndrome; Hereditary neoplastic syndrome. Identifiers: Orphanet 140162, MedGen C0027672, MeSH D009386, MONDO:0015356.
Familial cancer of breast. Also called: BREAST CANCER, FAMILIAL; hereditary breast carcinoma; Hereditary breast cancer. Identifiers: Orphanet 227535, MedGen C0346153, MONDO:0016419, OMIM 114480. Disease mechanism: loss of function.

Allele frequency attached by ClinVar (database versions not stated): gnomAD exomes below 0.00001; ExAC 0.00001; ESP Exome Variant Server 0.00008.
gnomAD v4.1: 5 of 1,613,358 alleles (0.00031%); highest among the groups gnomAD compares: Non-Finnish European, 0.00034%; no homozygotes.

Submissions (3):

Color Diagnostics, LLC DBA Color Health
Classification: Uncertain significance for Hereditary cancer-predisposing syndrome. Last evaluated: 2025-11-18. Review status: criteria provided, single submitter. Criteria: ACMG Guidelines, 2015. Collection method: clinical testing. Allele origin: germline.
Comment: This missense variant replaces proline with arginine at codon 113 of the PALB2 protein. This is a missense variant in a gene for which primarily truncating variants are known to cause disease. To our knowledge, functional studies have not been reported for this variant. This variant has been reported in an individual affected with breast cancer and it was also detected in a breast cancer case-control meta-analysis in 1/60466 cases and absent in 53461 unaffected individuals (PMID: 33471991LOVD DB-ID PALB2_011192). This variant has been detected in 1 individual older than age 70 years who has never had cancer (FLOSSIES database). This variant has been identified in 5/1613358 chromosomes in the general population by the Genome Aggregation Database (gnomAD). The available evidence is insufficient to determine the role of this variant in disease conclusively. Therefore, this variant is classified as a Variant of Uncertain Significance.

Labcorp Genetics (formerly Invitae), Labcorp
Classification: Uncertain significance for Familial cancer of breast. Last evaluated: 2025-02-11. Review status: criteria provided, single submitter. Criteria: Invitae Variant Classification Sherloc (09022015). Collection method: clinical testing. Allele origin: germline.
Comment: This sequence change replaces proline, which is neutral and non-polar, with arginine, which is basic and polar, at codon 113 of the PALB2 protein (p.Pro113Arg). This variant is present in population databases (rs374425261, gnomAD 0.0009%). This missense change has been observed in individual(s) with breast cancer (PMID: 26564480). ClinVar contains an entry for this variant (Variation ID: 232582). An algorithm developed to predict the effect of missense changes on protein structure and function (PolyPhen-2) suggests that this variant is likely to be tolerated. In summary, the available evidence is currently insufficient to determine the role of this variant in disease. Therefore, it has been classified as a Variant of Uncertain Significance.

Ambry Genetics
Classification: Likely benign for Hereditary cancer-predisposing syndrome. Last evaluated: 2024-03-27. Review status: criteria provided, single submitter. Criteria: Ambry Variant Classification Scheme 2023. Collection method: clinical testing. Allele origin: germline.

Literature cited by the submitters: PubMed 33471991 (cited by Color Diagnostics, LLC DBA Color Health); PubMed 26564480 (cited by Labcorp Genetics (formerly Invitae), Labcorp and Ambry Genetics).